The following is an entry in ClinVar:

NM_006231.4(POLE):c.1022C>A (p.Ala341Asp)

Gene: POLE (DNA polymerase epsilon, catalytic subunit; minus strand). Cytogenetic location: 12q24.33.
Variant type: single nucleotide variant.
Coding change: c.1022C>A on transcript NM_006231.4 (MANE Select); coding-DNA position 1022, C replaced by A.
Protein change: p.Ala341Asp; replaces alanine 341 with aspartic acid.
Molecular consequence: missense variant.
Genome position (GRCh38, 1-based): chr12:132,675,819, G>T on the plus strand (C>A on the coding strand, the complement: POLE is on the minus strand). VCF-style: chr12-132675819-G-T. GRCh37 (hg19) VCF-style: chr12-133252405-G-T.
Other names: short protein forms A341D.
Identifiers: ClinVar variation 1508282 (VCV001508282.11), dbSNP rs2136012123, ClinGen allele CA387361892.
Genomic context (GRCh38, chr12:132,675,819, plus strand): 5'-GTGACCATGATGGTGGGTTTGGTCTCCTGGACGTGTTCAAACCACCTTTGGATCAGATGA[G>T]CCTGAACCCAAGTCACAGCAGTCAGAGGTCTGCTCTTTCTCTTCTTCAAGCTATTCCAAA-3'
Protein context (NP_006222.2, residues 331-351): PFCVFNEPDE[Ala341Asp]HLIQRWFEHV

ClinVar aggregate classification (germline): Conflicting classifications of pathogenicity. Review status: criteria provided, conflicting classifications (1 of 4 stars). 2 submissions from 2 submitters: Uncertain significance (1); Likely benign (1). Last evaluated 2025-11-19.

Conditions:
Hereditary cancer-predisposing syndrome. Also called: Hereditary neoplastic syndrome; Neoplastic Syndromes, Hereditary; Tumor predisposition; Hereditary Cancer Syndrome. Identifiers: Orphanet 140162, MedGen C0027672, MeSH D009386, MONDO:0015356.

Submissions (2):

Ambry Genetics
Classification: Likely benign for Hereditary cancer-predisposing syndrome. Last evaluated: 2025-11-19. Review status: criteria provided, single submitter. Criteria: Ambry Variant Classification Scheme 2023. Collection method: clinical testing. Allele origin: germline.

Labcorp Genetics (formerly Invitae), Labcorp
Classification: Uncertain significance. Last evaluated: 2020-12-14. Review status: criteria provided, single submitter. Criteria: Invitae Variant Classification Sherloc (09022015). Collection method: clinical testing. Allele origin: germline.
Comment: In summary, the available evidence is currently insufficient to determine the role of this variant in disease. Therefore, it has been classified as a Variant of Uncertain Significance. This sequence change replaces alanine with aspartic acid at codon 341 of the POLE protein (p.Ala341Asp). The alanine residue is weakly conserved and there is a moderate physicochemical difference between alanine and aspartic acid. This variant is not present in population databases (ExAC no frequency). This variant has not been reported in the literature in individuals with POLE-related conditions. Algorithms developed to predict the effect of missense changes on protein structure and function are either unavailable or do not agree on the potential impact of this missense change (SIFT: "Deleterious"; PolyPhen-2: "Benign"; Align-GVGD: "Class C0").